The following is an entry in ClinVar:

ClinVar aggregate classification (germline): Uncertain significance (1 of 4 stars; one submission).

Allele frequency attached by ClinVar (database versions not stated): gnomAD 0.00001; gnomAD exomes 0.00001; TOPMed 0.00001.

Submission:

Labcorp Genetics (formerly Invitae), Labcorp
Classification: Uncertain significance. Last evaluated: 2022-10-31. Review status: criteria provided, single submitter. Criteria: Invitae Variant Classification Sherloc (09022015). Collection method: clinical testing. Allele origin: germline.
Comment: In summary, the available evidence is currently insufficient to determine the role of this variant in disease. Therefore, it has been classified as a Variant of Uncertain Significance. This sequence change replaces arginine, which is basic and polar, with cysteine, which is neutral and slightly polar, at codon 48 of the SLC22A12 protein (p.Arg48Cys). The frequency data for this variant in the population databases is considered unreliable, as metrics indicate poor data quality at this position in the gnomAD database. This variant has not been reported in the literature in individuals affected with SLC22A12-related conditions. Algorithms developed to predict the effect of missense changes on protein structure and function are either unavailable or do not agree on the potential impact of this missense change (SIFT: "Deleterious"; PolyPhen-2: "Probably Damaging"; Align-GVGD: "Class C0").

NM_144585.4(SLC22A12):c.142C>T (p.Arg48Cys)

Gene: SLC22A12 (solute carrier family 22 member 12; plus strand). Cytogenetic location: 11q13.1.
Variant type: single nucleotide variant.
Coding change: c.142C>T on transcript NM_144585.4 (MANE Select); coding-DNA position 142, C replaced by T.
Protein change: p.Arg48Cys; replaces arginine 48 with cysteine.
Molecular consequence: missense variant. On other transcripts: 5 prime UTR variant (1).
Genome position (GRCh38, 1-based): chr11:64,591,698, C>T. VCF-style: chr11-64591698-C-T. GRCh37 (hg19) VCF-style: chr11-64359170-C-T.
Other names: c.142C>T, p.Arg48Cys (NM_001276326.2, NM_001276327.2); c.-367C>T (NM_153378.3); short protein forms R48C.
Identifiers: ClinVar variation 1924978 (VCV001924978.5), dbSNP rs1008748243, ClinGen allele CA223861159.